The following is an entry in ClinVar:

NM_000088.4(COL1A1):c.1043del (p.Ala348fs)

Gene: COL1A1 (collagen type I alpha 1 chain; minus strand). Cytogenetic location: 17q21.33.
Variant type: Deletion.
Coding change: c.1043del on transcript NM_000088.4 (MANE Select); coding-DNA position 1043, one base deleted (C; older notation c.1043delC).
Protein change: p.Ala348fs; shifts the reading frame from alanine 348.
Molecular consequence: frameshift variant.
Genome position (GRCh38, 1-based): chr17:50,195,936, G deleted on the plus strand (C on the coding strand, the reverse complement: COL1A1 is on the minus strand). VCF-style (leftmost placement, unchanged base first): chr17-50195935-AG-A. GRCh37 (hg19) VCF-style: chr17-48273296-AG-A.
Other names: short protein forms A348fs.
Identifiers: ClinVar variation 3723459 (VCV003723459.2).

ClinVar aggregate classification (germline): Pathogenic (1 of 4 stars; one submission).

Conditions:
Osteogenesis imperfecta type I (OI1). Also called: OI, TYPE I; OSTEOGENESIS IMPERFECTA TARDA; OSTEOGENESIS IMPERFECTA WITH BLUE SCLERAE; Osteogenesis imperfecta type 1; Lobstein's Disease; Lobstein disease. Identifiers: Orphanet 216796, Orphanet 666, MedGen C0023931, MONDO:0008146, OMIM 166200. Disease mechanism: loss of function.

Submission:

Labcorp Genetics (formerly Invitae), Labcorp
Classification: Pathogenic for Osteogenesis imperfecta type I. Last evaluated: 2025-02-27. Review status: criteria provided, single submitter. Criteria: Invitae Variant Classification Sherloc (09022015). Collection method: clinical testing. Allele origin: germline.
Comment: This sequence change creates a premature translational stop signal (p.Ala348Valfs*193) in the COL1A1 gene. It is expected to result in an absent or disrupted protein product. Loss-of-function variants in COL1A1 are known to be pathogenic (PMID: 7942841, 9295084, 9443882). This variant is not present in population databases (gnomAD no frequency). This variant has not been reported in the literature in individuals affected with COL1A1-related conditions. For these reasons, this variant has been classified as Pathogenic.

Literature cited by the submitters: PubMed 7942841; PubMed 9295084; PubMed 9443882.